The following is an entry in ClinVar:

ClinVar aggregate classification (germline): Uncertain significance. Review status: criteria provided, multiple submitters, no conflicts (2 of 4 stars). 2 submissions from 2 submitters: Uncertain significance (2). Last evaluated 2023-10-03.

Conditions:
Pitt-Hopkins-like syndrome 2 (PTHSL2). Identifiers: Orphanet 221150, Orphanet 600663, MedGen C3280479, MONDO:0013690, OMIM 614325.

Allele frequency attached by ClinVar (database versions not stated): gnomAD 0.00001; TOPMed 0.00001.
gnomAD v4.1: 17 of 1,613,770 alleles (0.0011%); highest among the groups gnomAD compares: Non-Finnish European, 0.0014%; no homozygotes.

Submissions (2):

Labcorp Genetics (formerly Invitae), Labcorp
Classification: Uncertain significance for Pitt-Hopkins-like syndrome 2. Last evaluated: 2023-10-03. Review status: criteria provided, single submitter. Criteria: Invitae Variant Classification Sherloc (09022015). Collection method: clinical testing. Allele origin: germline.
Comment: This sequence change replaces proline, which is neutral and non-polar, with serine, which is neutral and polar, at codon 534 of the NRXN1 protein (p.Pro534Ser). The frequency data for this variant in the population databases is considered unreliable, as metrics indicate poor data quality at this position in the gnomAD database. This variant has not been reported in the literature in individuals affected with NRXN1-related conditions. ClinVar contains an entry for this variant (Variation ID: 432939). An algorithm developed to predict the effect of missense changes on protein structure and function (PolyPhen-2) suggests that this variant is likely to be tolerated. In summary, the available evidence is currently insufficient to determine the role of this variant in disease. Therefore, it has been classified as a Variant of Uncertain Significance.

GeneDx
Classification: Uncertain significance. Last evaluated: 2017-06-22. Review status: criteria provided, single submitter. Criteria: GeneDx Variant Classification (06012015). Collection method: clinical testing. Allele origin: germline. Affected: yes.
Comment: A variant of uncertain significance has been identified in the NRXN1 gene. The P534S variant has not been published as a pathogenic variant, nor has it been reported as a benign variant to our knowledge. The P534S variant is not observed in large population cohorts (Lek et al., 2016; 1000 Genomes Consortium et al., 2015; Exome Variant Server). The P534S variant is a non-conservative amino acid substitution, which is likely to impact secondary protein structure as these residues differ in polarity, charge, size and/or other properties. This substitution occurs at a position that is conserved in mammals and in silico analysis predicts this variant is probably damaging to the protein structure/function. However, missense variants in nearby residues have not been reported in Human Gene Mutation Database in association with NRXN1-related disorders (Stenson et al., 2014). Therefore, based on the currently available information, it is unclear whether this variant is a pathogenic variant or a rare benign variant.

NM_001330078.2(NRXN1):c.1480C>T (p.Pro494Ser)

Gene: NRXN1 (neurexin 1; minus strand). Cytogenetic location: 2p16.3.
Variant type: single nucleotide variant.
Coding change: c.1480C>T on transcript NM_001330078.2 (MANE Select); coding-DNA position 1480, C replaced by T.
Protein change: p.Pro494Ser; replaces proline 494 with serine.
Molecular consequence: missense variant.
Genome position (GRCh38, 1-based): chr2:50,552,866, G>A on the plus strand (C>T on the coding strand, the complement: NRXN1 is on the minus strand). VCF-style: chr2-50552866-G-A. GRCh37 (hg19) VCF-style: chr2-50780004-G-A.
Other names: c.1600C>T, p.Pro534Ser (NM_001135659.3); c.1456C>T, p.Pro486Ser (NM_001330077.2, NM_001330082.2, NM_001330095.2); c.1441C>T, p.Pro481Ser (NM_001330083.2, NM_001330084.2); c.1480C>T, p.Pro494Ser (NM_001330085.2, NM_001330086.2, NM_004801.6); c.1396C>T, p.Pro466Ser (NM_001330087.2, NM_001330096.2); c.1426C>T, p.Pro476Ser (NM_001330088.2); c.1477C>T, p.Pro493Ser (NM_001330093.2); c.1468C>T, p.Pro490Ser (NM_001330094.2); short protein forms P534S, P466S, P481S, P493S, P494S, P476S, P486S, P490S.
Identifiers: ClinVar variation 432939 (VCV000432939.10), dbSNP rs199834999, ClinGen allele CA47332799.